The following is an entry in ClinVar:

NM_138927.4(SON):c.4319T>C (p.Val1440Ala)

Gene: SON (SON DNA and RNA binding protein; plus strand). Cytogenetic location: 21q22.11.
Variant type: single nucleotide variant.
Coding change: c.4319T>C on transcript NM_138927.4 (MANE Select); coding-DNA position 4319, T replaced by C.
Protein change: p.Val1440Ala; replaces valine 1440 with alanine.
Molecular consequence: missense variant. On other transcripts: non-coding transcript variant (1), intron variant (1).
Genome position (GRCh38, 1-based): chr21:33,553,550, T>C. VCF-style: chr21-33553550-T-C. GRCh37 (hg19) VCF-style: chr21-34925856-T-C.
Other names: c.4319T>C, p.Val1440Ala (NM_001291411.2, NM_001412133.1, NM_032195.3 and 2 more transcripts); c.245-3606T>C (NM_001291412.3); short protein forms V1440A.
Identifiers: ClinVar variation 2057167 (VCV002057167.4), dbSNP rs2517380199, ClinGen allele CA410162373.
Genomic context (GRCh38, chr21:33,553,550, plus strand): 5'-TGGAACCAGCGGTGTCAGTCCTTCAACCTTCTATGATTGTTTCAGAACCATCTGTTTCTG[T>C]CCAGGAATCGACTGTGACAGTTTCAGAGCCTGCTGTCACAGTCTCAGAGCAGACTCAAGT-3'
Protein context (NP_620305.3, residues 1430-1450): SMIVSEPSVS[Val1440Ala]QESTVTVSEP

ClinVar aggregate classification (germline): Uncertain significance (1 of 4 stars; one submission).

Submission:

Labcorp Genetics (formerly Invitae), Labcorp
Classification: Uncertain significance. Last evaluated: 2022-08-10. Review status: criteria provided, single submitter. Criteria: Invitae Variant Classification Sherloc (09022015). Collection method: clinical testing. Allele origin: germline.
Comment: In summary, the available evidence is currently insufficient to determine the role of this variant in disease. Therefore, it has been classified as a Variant of Uncertain Significance. Algorithms developed to predict the effect of missense changes on protein structure and function are either unavailable or do not agree on the potential impact of this missense change (SIFT: "Deleterious"; PolyPhen-2: "Benign"; Align-GVGD: "Class C0"). This variant has not been reported in the literature in individuals affected with SON-related conditions. This variant is not present in population databases (gnomAD no frequency). This sequence change replaces valine, which is neutral and non-polar, with alanine, which is neutral and non-polar, at codon 1440 of the SON protein (p.Val1440Ala).